The following is an entry in ClinVar:

ClinVar aggregate classification (germline): Uncertain significance. Review status: criteria provided, multiple submitters, no conflicts (2 of 4 stars). 2 submissions from 2 submitters: Uncertain significance (2). Last evaluated 2025-03-17.

Conditions:
MYO18B-related disorder. Also called: MYO18B-related condition.

Allele frequency attached by ClinVar (database versions not stated): gnomAD 0.00001; TOPMed 0.00002; gnomAD exomes 0.00003 and 0.00006; ExAC 0.00007.
gnomAD v4.1: 21 of 1,613,694 alleles (0.0013%); highest among the groups gnomAD compares: Admixed American, 0.035%; no homozygotes.

Submissions (2):

PreventionGenetics, part of Exact Sciences
Classification: Uncertain significance for MYO18B-related condition. Last evaluated: 2025-03-17. Review status: criteria provided, single submitter. Criteria: ACMG Guidelines, 2015. Collection method: clinical testing. Allele origin: germline.
Comment: The MYO18B c.4802A>G variant is predicted to result in the amino acid substitution p.Glu1601Gly. To our knowledge, this variant has not been reported in the literature. This variant is reported in 0.046% of alleles in individuals of Latino descent in gnomAD. At this time, the clinical significance of this variant is uncertain due to the absence of conclusive functional and genetic evidence.

Labcorp Genetics (formerly Invitae), Labcorp
Classification: Uncertain significance. Last evaluated: 2023-04-03. Review status: criteria provided, single submitter. Criteria: Invitae Variant Classification Sherloc (09022015). Collection method: clinical testing. Allele origin: germline.
Comment: In summary, the available evidence is currently insufficient to determine the role of this variant in disease. Therefore, it has been classified as a Variant of Uncertain Significance. An algorithm developed to predict the effect of missense changes on protein structure and function (PolyPhen-2) suggests that this variant is likely to be disruptive. ClinVar contains an entry for this variant (Variation ID: 1524029). This variant has not been reported in the literature in individuals affected with MYO18B-related conditions. This variant is present in population databases (rs749548943, gnomAD 0.05%). This sequence change replaces glutamic acid, which is acidic and polar, with glycine, which is neutral and non-polar, at codon 1601 of the MYO18B protein (p.Glu1601Gly).

NM_032608.7(MYO18B):c.4802A>G (p.Glu1601Gly)

Genes: MYO18B (myosin XVIIIB; plus strand), MYO18B-AS1 (MYO18B antisense RNA 1; minus strand). Cytogenetic location: 22q12.1.
Variant type: single nucleotide variant.
Coding change: c.4802A>G on transcript NM_032608.7 (MANE Select); coding-DNA position 4802, A replaced by G.
Protein change: p.Glu1601Gly; replaces glutamic acid 1601 with glycine.
Molecular consequence: missense variant.
Genome position (GRCh38, 1-based): chr22:25,898,440, A>G. VCF-style: chr22-25898440-A-G. GRCh37 (hg19) VCF-style: chr22-26294407-A-G.
Other names: c.4805A>G, p.Glu1602Gly (NM_001318245.2); c.4802A>G (NM_032608.6); short protein forms E1601G, E1602G.
Identifiers: ClinVar variation 1524029 (VCV001524029.6), dbSNP rs749548943, ClinGen allele CA10160982.
Genomic context (GRCh38, chr22:25,898,440, plus strand): 5'-TTACCTGTGACCTTGAGGATACCTGCGTCCTGCTAGAGAACCAACAAAGTCGAAACCATG[A>G]GCTGGAGAAGAAGCAGAAGAAGTGAGTTGCATCTCTCACCATCACCTGGGCTGCCAGGGT-3'
Protein context (NP_115997.5, residues 1591-1611): LLENQQSRNH[Glu1601Gly]LEKKQKKFDL